The following is an entry in ClinVar:

ClinVar aggregate classification (germline): Uncertain significance. Review status: criteria provided, multiple submitters, no conflicts (2 of 4 stars). 2 submissions from 2 submitters: Uncertain significance (2). Last evaluated 2025-06-30.

Conditions:
Hereditary cancer-predisposing syndrome. Also called: Hereditary Cancer Syndrome; Neoplastic Syndromes, Hereditary; Tumor predisposition; Hereditary neoplastic syndrome. Identifiers: Orphanet 140162, MedGen C0027672, MeSH D009386, MONDO:0015356.
Parathyroid carcinoma (PRTC). Also called: CDC73-Related Parathyroid Carcinoma; Parathyroid gland carcinoma. Identifiers: Orphanet 143, MedGen C0687150, MONDO:0012004, OMIM 608266, HP:0006780.

Allele frequency attached by ClinVar (database versions not stated): gnomAD 0.00001; TOPMed 0.00001.
gnomAD v4.1: 1 of 1,614,048 alleles (0.000062%); highest among the groups gnomAD compares: Non-Finnish European, 0.000085%; no homozygotes.

Submissions (2):

Ambry Genetics
Classification: Uncertain significance for Hereditary cancer-predisposing syndrome. Last evaluated: 2025-06-30. Review status: criteria provided, single submitter. Criteria: Ambry Variant Classification Scheme 2023. Collection method: clinical testing. Allele origin: germline.
Comment: The p.K21N variant (also known as c.63G>T), located in coding exon 1 of the CDC73 gene, results from a G to T substitution at nucleotide position 63. The lysine at codon 21 is replaced by asparagine, an amino acid with similar properties. This amino acid position is conserved. In addition, this alteration is predicted to be tolerated by in silico analysis. Based on the available evidence, the clinical significance of this variant remains unclear.

Labcorp Genetics (formerly Invitae), Labcorp
Classification: Uncertain significance for Parathyroid carcinoma. Last evaluated: 2023-04-22. Review status: criteria provided, single submitter. Criteria: Invitae Variant Classification Sherloc (09022015). Collection method: clinical testing. Allele origin: germline.
Comment: In summary, the available evidence is currently insufficient to determine the role of this variant in disease. Therefore, it has been classified as a Variant of Uncertain Significance. Advanced modeling of protein sequence and biophysical properties (such as structural, functional, and spatial information, amino acid conservation, physicochemical variation, residue mobility, and thermodynamic stability) performed at Invitae indicates that this missense variant is not expected to disrupt CDC73 protein function. This variant has not been reported in the literature in individuals affected with CDC73-related conditions. This variant is not present in population databases (gnomAD no frequency). This sequence change replaces lysine, which is basic and polar, with asparagine, which is neutral and polar, at codon 21 of the CDC73 protein (p.Lys21Asn).

NM_024529.5(CDC73):c.63G>T (p.Lys21Asn)

Gene: CDC73 (cell division cycle 73; plus strand). Cytogenetic location: 1q31.2.
Variant type: single nucleotide variant.
Coding change: c.63G>T on transcript NM_024529.5 (MANE Select); coding-DNA position 63, G replaced by T.
Protein change: p.Lys21Asn; replaces lysine 21 with asparagine.
Molecular consequence: missense variant.
Genome position (GRCh38, 1-based): chr1:193,122,263, G>T. VCF-style: chr1-193122263-G-T. GRCh37 (hg19) VCF-style: chr1-193091393-G-T.
Other names: short protein forms K21N.
Identifiers: ClinVar variation 3005321 (VCV003005321.4), dbSNP rs1456354852, ClinGen allele CA343972859.